The following is an entry in ClinVar:

Conditions:
Breast-ovarian cancer, familial, susceptibility to, 1 (BROVCA1). Also called: BRCA1 Hereditary Breast and Ovarian Cancer; OVARIAN CANCER, SUSCEPTIBILITY TO. Identifiers: Orphanet 145, MedGen C2676676, MONDO:0011450, OMIM 604370. Disease mechanism: loss of function.

Submission:

Brotman Baty Institute, University of Washington
No classification provided (evidence only). Condition: Breast-ovarian cancer, familial 1. Review status: no classification provided. Collection method: in vitro. Allele origin: not applicable. Functional consequence: functionally_normal.
ClinVar note: "not provided" was previously submitted as the classification for the variant. However, the classification appeared to be based only on an observation of functional data so it was converted to no classification on 2025-07-30.

NM_007294.4(BRCA1):c.212+8A>G

Gene: BRCA1 (BRCA1 DNA repair associated; minus strand). Cytogenetic location: 17q21.31.
Variant type: single nucleotide variant.
Coding change: c.212+8A>G on transcript NM_007294.4 (MANE Select); 8 bases into the intron after coding-DNA position 212, A replaced by G.
Molecular consequence: intron variant.
Genome position (GRCh38, 1-based): chr17:43,106,448, T>C on the plus strand (A>G on the coding strand, the complement: BRCA1 is on the minus strand). VCF-style: chr17-43106448-T-C. GRCh37 (hg19) VCF-style: chr17-41258465-T-C.
Other names: c.71+8A>G (NM_001408458.1, NM_001407931.1, NM_001407747.1 and 99 more transcripts); c.-218-11588A>G (NM_001407967.1, NM_001407966.1); c.-169-1492A>G (NM_001407959.1, NM_001407962.1, NM_001408512.1 and 4 more transcripts); c.2+30A>G (NM_001407885.1, NM_001407886.1, NM_001407898.1 and 58 more transcripts); c.212+8A>G (NM_001407686.1, NM_001408397.1, NM_001407632.1 and 167 more transcripts); c.81-1492A>G (NM_001408451.1); c.135-1492A>G (NM_001408475.1, NM_001407875.1, NM_001407659.1 and 21 more transcripts).
Identifiers: ClinVar variation 867346 (VCV000867346.3), dbSNP rs2054766862, ClinGen allele CA916080869.
Genomic context (GRCh38, chr17:43,106,448, plus strand): 5'-TATTAAATAATTTCTACTTTTTCCTACTGTGGTTGCTTCCAACCTAGCATCATTACCAAA[T>C]TATATACCTTTTGGTTATATCATTCTTACATAAAGGACACTGTGAAGGCCCTTTCTTCTG-3'